The following is an entry in ClinVar:

ClinVar aggregate classification (germline): Likely benign. Review status: criteria provided, single submitter (1 of 4 stars). 2 submissions from 2 submitters: Likely benign (1). 1 of the submissions does not count toward it. Last evaluated 2025-12-01.

Conditions:
AR-related disorder. Also called: AR-related condition.

Submissions (2):

CeGaT Center for Human Genetics Tuebingen
Classification: Likely benign. Last evaluated: 2025-12-01. Review status: criteria provided, single submitter. Criteria: CeGaT Center For Human Genetics Tuebingen Variant Classification Criteria Version 2. Collection method: clinical testing. Allele origin: germline. Affected: yes. Observed: 3 variant alleles.
Comment: AR: BS2

PreventionGenetics, part of Exact Sciences
Classification: Benign for AR-related condition. Last evaluated: 2021-10-29. Review status: no assertion criteria provided. Collection method: clinical testing. Allele origin: germline. Not counted in ClinVar's aggregate classification.
Comment: This variant is classified as benign based on ACMG/AMP sequence variant interpretation guidelines (Richards et al. 2015 PMID: 25741868, with internal and published modifications).

NM_000044.6(AR):c.1368_1376dup (p.Gly473_Glu474insGlyGlyGly)

Gene: AR (androgen receptor; plus strand). Cytogenetic location: Xq12.
Variant type: Duplication.
Coding change: c.1368_1376dup on transcript NM_000044.6 (MANE Select); coding-DNA positions 1368 to 1376, 9 bases duplicated (TGGCGGCGG; older notation c.1368_1376dupTGGCGGCGG).
Protein change: p.Gly473_Glu474insGlyGlyGly.
Molecular consequence: inframe insertion. On other transcripts: 5 prime UTR variant (1), inframe indel (1).
Genome position (GRCh38, 1-based): chrX:67,546,514-67,546,522, TGGCGGCGG duplicated; duplicating any 9 consecutive bases within chrX:67,546,512-67,546,522 gives the same sequence; the c. name uses the placement nearest the transcript's 3' end. VCF-style (leftmost placement, unchanged base first): chrX-67546511-T-TGGTGGCGGC. GRCh37 (hg19) VCF-style: chrX-66766353-T-TGGTGGCGGC.
Other names: c.-416_-408dup (NM_001011645.3); c.1368_1376dup, p.Gly473_Glu474insGlyGlyGly (NM_001348061.1, NM_001348063.1, NM_001348064.1); c.1368_1376dup, p.Gly474_Glu475insGlyGlyGly (NM_001424175.1); c.1368_1376dup9 (NM_000044.3).
Identifiers: ClinVar variation 3025470 (VCV003025470.23), dbSNP rs1555969927, ClinGen allele CA517048753.